The following is an entry in ClinVar:

NM_020774.4(MIB1):c.2965A>G (p.Met989Val)

Gene: MIB1 (MIB E3 ubiquitin protein ligase 1; plus strand). Cytogenetic location: 18q11.2.
Variant type: single nucleotide variant.
Coding change: c.2965A>G on transcript NM_020774.4 (MANE Select); coding-DNA position 2965, A replaced by G.
Protein change: p.Met989Val; replaces methionine 989 with valine.
Molecular consequence: missense variant.
Genome position (GRCh38, 1-based): chr18:21,864,610, A>G. VCF-style: chr18-21864610-A-G. GRCh37 (hg19) VCF-style: chr18-19444571-A-G.
Other names: short protein forms M989V.
Identifiers: ClinVar variation 4988389 (VCV004988389.1).

ClinVar aggregate classification (germline): Uncertain significance (1 of 4 stars; one submission).

Conditions:
MIB1-related disorder. Also called: MIB1-related condition.

gnomAD v4.1: 11 of 1,613,654 alleles (0.00068%); highest among the groups gnomAD compares: Admixed American, 0.0033%; no homozygotes.

Submission:

PreventionGenetics, part of Exact Sciences
Classification: Uncertain significance for MIB1-related condition. Last evaluated: 2026-06-25. Review status: criteria provided, single submitter. Criteria: ACMG Guidelines, 2015. Collection method: clinical testing. Allele origin: germline.
Comment: The MIB1 c.2965A>G variant is predicted to result in the amino acid substitution p.Met989Val. To our knowledge, this variant has not been reported in the literature. This variant is reported in 0.0058% of alleles in individuals of Latino descent in gnomAD. At this time, the clinical significance of this variant is uncertain due to the absence of conclusive functional and genetic evidence.